The following is an entry in ClinVar:

ClinVar aggregate classification (germline): Uncertain significance. Review status: criteria provided, multiple submitters, no conflicts (2 of 4 stars). 2 submissions from 2 submitters: Uncertain significance (2). Last evaluated 2021-10-15.

Conditions:
Parkinsonian-pyramidal syndrome. Also called: PALLIDOPYRAMIDAL SYNDROME; PARKINSON DISEASE 15, AUTOSOMAL RECESSIVE; PARKINSON DISEASE 15, AUTOSOMAL RECESSIVE EARLY-ONSET. Identifiers: Orphanet 171695, MedGen C1850100, MONDO:0009830, OMIM 260300.

Allele frequency attached by ClinVar (database versions not stated): gnomAD 0.00001; gnomAD exomes 0.00001 and 0.00002; ExAC 0.00002; TOPMed 0.00003; ESP Exome Variant Server 0.00008.
gnomAD v4.1: 27 of 1,613,998 alleles (0.0017%); highest among the groups gnomAD compares: African/African-American, 0.008%; no homozygotes.

Submissions (2):

Fulgent Genetics
Classification: Uncertain significance for Parkinsonian-pyramidal syndrome. Last evaluated: 2021-10-15. Review status: criteria provided, single submitter. Criteria: ACMG Guidelines, 2015. Collection method: clinical testing. Allele origin: unknown.

Labcorp Genetics (formerly Invitae), Labcorp
Classification: Uncertain significance for Parkinsonian-pyramidal syndrome. Last evaluated: 2021-09-24. Review status: criteria provided, single submitter. Criteria: Invitae Variant Classification Sherloc (09022015). Collection method: clinical testing. Allele origin: germline.
Comment: This sequence change replaces serine with leucine at codon 174 of the FBXO7 protein (p.Ser174Leu). The serine residue is moderately conserved and there is a large physicochemical difference between serine and leucine. This variant is present in population databases (rs376455464, ExAC 0.003%). This variant has not been reported in the literature in individuals with FBXO7-related conditions. Algorithms developed to predict the effect of missense changes on protein structure and function are either unavailable or do not agree on the potential impact of this missense change (SIFT: "Deleterious"; PolyPhen-2: "Benign"; Align-GVGD: "Class C0"). In summary, the available evidence is currently insufficient to determine the role of this variant in disease. Therefore, it has been classified as a Variant of Uncertain Significance.

NM_012179.4(FBXO7):c.521C>T (p.Ser174Leu)

Gene: FBXO7 (F-box protein 7; plus strand). Cytogenetic location: 22q12.3.
Variant type: single nucleotide variant.
Coding change: c.521C>T on transcript NM_012179.4 (MANE Select); coding-DNA position 521, C replaced by T.
Protein change: p.Ser174Leu; replaces serine 174 with leucine.
Molecular consequence: missense variant.
Genome position (GRCh38, 1-based): chr22:32,484,000, C>T. VCF-style: chr22-32484000-C-T. GRCh37 (hg19) VCF-style: chr22-32879987-C-T.
Other names: c.284C>T, p.Ser95Leu (NM_001033024.2); c.179C>T, p.Ser60Leu (NM_001257990.2); short protein forms S174L, S60L, S95L.
Identifiers: ClinVar variation 1444906 (VCV001444906.6), dbSNP rs376455464, ClinGen allele CA10201449.
Genomic context (GRCh38, chr22:32,484,000, plus strand): 5'-ATGCGCATATGGCAGAGGGCACAGGTTTCTATCCCTCAGAACCCATGCTCTGTAGTGAAT[C>T]GGTGGAAGGGCAAGTGCCACATTCATTAGAGACCTTGTATCAATCAGCTGACTGTTCTGA-3'
Protein context (NP_036311.3, residues 164-184): YPSEPMLCSE[Ser174Leu]VEGQVPHSLE